The following is an entry in ClinVar:

ClinVar aggregate classification (germline): Benign (1 of 4 stars; one submission).

Allele frequency attached by ClinVar (database versions not stated): gnomAD 0.00029.
gnomAD v4.1: 161 of 397,960 alleles (0.04%); highest among the groups gnomAD compares: Middle Eastern, 0.25%; 1 homozygote.

Submission:

CeGaT Center for Human Genetics Tuebingen
Classification: Benign. Last evaluated: 2023-03-01. Review status: criteria provided, single submitter. Criteria: CeGaT Center For Human Genetics Tuebingen Variant Classification Criteria Version 2. Collection method: clinical testing. Allele origin: germline. Affected: yes. Observed: 5 variant alleles.
Comment: KCNQ1OT1: BS1, BS2

NM_000218.3(KCNQ1):c.1393+35888C>G

Genes: KCNQ1 (potassium voltage-gated channel subfamily Q member 1; plus strand), KCNQ1OT1 (KCNQ1 opposite strand/antisense transcript 1; minus strand). Cytogenetic location: 11p15.5.
Variant type: single nucleotide variant.
Coding change: c.1393+35888C>G on transcript NM_000218.3 (MANE Select); 35888 bases into the intron after coding-DNA position 1393, C replaced by G.
Molecular consequence: intron variant.
Genome position (GRCh38, 1-based): chr11:2,624,742, C>G. VCF-style: chr11-2624742-C-G. GRCh37 (hg19) VCF-style: chr11-2645972-C-G.
Other names: c.1123+35888C>G (NM_001406837.1); c.1297+35888C>G (NM_001406836.1); c.853+35888C>G (NM_001406838.1); c.1012+35888C>G (NM_181798.2).
Identifiers: ClinVar variation 2498482 (VCV002498482.28), dbSNP rs754490385, ClinGen allele CA216363981.
Genomic context (GRCh38, chr11:2,624,742, plus strand): 5'-CCATAACACTTGTCATTTGTAATTATGAAACTCTATATCCATTAAACAATAATTCCCCAA[C>G]CCCCCCACCACCGCCATCTCTTGGAAACCACCTTGTACTTTCTATGTCTCTGATTTGACT-3'